The following is an entry in ClinVar:

ClinVar aggregate classification (germline): Uncertain significance. Review status: criteria provided, multiple submitters, no conflicts (2 of 4 stars). 2 submissions from 2 submitters: Uncertain significance (2). Last evaluated 2024-10-25.

Conditions:
Episodic ataxia type 2 (EA2). Also called: ACETAZOLAMIDE-RESPONSIVE HEREDITARY PAROXYSMAL CEREBELLAR ATAXIA; EPISODIC ATAXIA, NYSTAGMUS-ASSOCIATED; ATAXIA, EPISODIC, WITH NYSTAGMUS; ATAXIA, FAMILIAL PAROXYSMAL; CEREBELLAR ATAXIA, PAROXYSMAL, ACETAZOLAMIDE-RESPONSIVE; CEREBELLOPATHY, HEREDITARY PAROXYSMAL. Identifiers: Orphanet 97, MedGen C1720416, MONDO:0007163, OMIM 108500.
Developmental and epileptic encephalopathy, 42 (DEE42A). Also called: DEVELOPMENTAL AND EPILEPTIC ENCEPHALOPATHY 42A; EPILEPTIC ENCEPHALOPATHY, EARLY INFANTILE, 42A; Epileptic encephalopathy, early infantile, 42. Identifiers: MedGen C4310716, MONDO:0014917, OMIM 617106.

gnomAD v4.1: 7 of 1,503,338 alleles (0.00047%); highest among the groups gnomAD compares: Non-Finnish European, 0.00053%; no homozygotes.

Submissions (2):

Labcorp Genetics (formerly Invitae), Labcorp
Classification: Uncertain significance for Developmental and epileptic encephalopathy, 42; Episodic ataxia type 2. Last evaluated: 2024-10-25. Review status: criteria provided, single submitter. Criteria: Invitae Variant Classification Sherloc (09022015). Collection method: clinical testing. Allele origin: germline.
Comment: This sequence change replaces glycine, which is neutral and non-polar, with arginine, which is basic and polar, at codon 966 of the CACNA1A protein (p.Gly966Arg). The frequency data for this variant in the population databases is considered unreliable, as metrics indicate poor data quality at this position in the gnomAD database. This variant has not been reported in the literature in individuals affected with CACNA1A-related conditions. ClinVar contains an entry for this variant (Variation ID: 1442125). Invitae Evidence Modeling of protein sequence and biophysical properties (such as structural, functional, and spatial information, amino acid conservation, physicochemical variation, residue mobility, and thermodynamic stability) indicates that this missense variant is not expected to disrupt CACNA1A protein function with a negative predictive value of 95%. In summary, the available evidence is currently insufficient to determine the role of this variant in disease. Therefore, it has been classified as a Variant of Uncertain Significance.

GeneDx
Classification: Uncertain significance. Last evaluated: 2024-08-07. Review status: criteria provided, single submitter. Criteria: GeneDx Variant Classification Process June 2021. Collection method: clinical testing. Allele origin: germline. Affected: yes.
Comment: In silico analysis indicates that this missense variant does not alter protein structure/function; Has not been previously published as pathogenic or benign to our knowledge

NM_001127222.2(CACNA1A):c.2893G>A (p.Gly965Arg)

Gene: CACNA1A (calcium voltage-gated channel subunit alpha1 A; minus strand). Cytogenetic location: 19p13.13.
Variant type: single nucleotide variant.
Coding change: c.2893G>A on transcript NM_001127222.2 (MANE Select); coding-DNA position 2893, G replaced by A.
Protein change: p.Gly965Arg; replaces glycine 965 with arginine.
Molecular consequence: missense variant.
Genome position (GRCh38, 1-based): chr19:13,298,740, C>T on the plus strand (G>A on the coding strand, the complement: CACNA1A is on the minus strand). VCF-style: chr19-13298740-C-T. GRCh37 (hg19) VCF-style: chr19-13409554-C-T.
Other names: c.2896G>A (NM_001127221.1); c.2905G>A, p.Gly969Arg (NM_000068.4, NM_023035.3); c.2896G>A, p.Gly966Arg (NM_001127221.2, NM_001174080.2); short protein forms G965R, G966R, G969R.
Identifiers: ClinVar variation 1442125 (VCV001442125.7), dbSNP rs1473069840, ClinGen allele CA404342507.
Genomic context (GRCh38, chr19:13,298,740, plus strand): 5'-GCCGGCTGCCCTCGCGGTGCCGCGCCCTCCGCTCCGCCTTGTCCTCCGGACCCTCCTCCC[C>T]GGGCCTGCGGTGCGCGCGATGACGTCGATGCTCCCCGTCCGCGCCCGTGCGCGGGGACCC-3'
Protein context (NP_001120694.1, residues 955-975): HRRHRAHRRP[Gly965Arg]EEGPEDKAER